The following is an entry in ClinVar:

ClinVar aggregate classification (germline): Benign/Likely benign. Review status: criteria provided, multiple submitters, no conflicts (2 of 4 stars). 3 submissions from 3 submitters: Benign (1); Likely benign (1). 1 of the submissions does not count toward it. Last evaluated 2025-11-26.

Conditions:
AP3D1-related disorder. Also called: AP3D1-related condition.

Allele frequency attached by ClinVar (database versions not stated): TOPMed 0.00029; 1000 Genomes Project 0.00060; ExAC 0.00061; 1000 Genomes Project 30x 0.00062.
gnomAD v4.1: 152 of 1,568,268 alleles (0.0097%); highest among the groups gnomAD compares: East Asian, 0.13%; no homozygotes.

Submissions (3):

Labcorp Genetics (formerly Invitae), Labcorp
Classification: Benign. Last evaluated: 2025-11-26. Review status: criteria provided, single submitter. Criteria: Invitae Variant Classification Sherloc (09022015). Collection method: clinical testing. Allele origin: germline.

Blueprint Genetics
Classification: Likely benign. Last evaluated: 2024-10-21. Review status: criteria provided, single submitter. Criteria: ACMG Guidelines, 2015. Collection method: clinical testing. Allele origin: germline.

PreventionGenetics, part of Exact Sciences
Classification: Likely benign for AP3D1-related condition. Last evaluated: 2019-05-22. Review status: no assertion criteria provided. Collection method: clinical testing. Allele origin: germline. Not counted in ClinVar's aggregate classification.
Comment: This variant is classified as likely benign based on ACMG/AMP sequence variant interpretation guidelines (Richards et al. 2015 PMID: 25741868, with internal and published modifications).

NM_001261826.3(AP3D1):c.906+9C>T

Gene: AP3D1 (adaptor related protein complex 3 subunit delta 1; minus strand). Cytogenetic location: 19p13.3.
Variant type: single nucleotide variant.
Coding change: c.906+9C>T on transcript NM_001261826.3 (MANE Select); 9 bases into the intron after coding-DNA position 906, C replaced by T.
Molecular consequence: intron variant.
Genome position (GRCh38, 1-based): chr19:2,123,821, G>A on the plus strand (C>T on the coding strand, the complement: AP3D1 is on the minus strand). VCF-style: chr19-2123821-G-A. GRCh37 (hg19) VCF-style: chr19-2123820-G-A.
Other names: c.906+9C>T (NM_003938.8, NM_001374799.1).
Identifiers: ClinVar variation 713386 (VCV000713386.12), dbSNP rs565876786, ClinGen allele CA9059509.